The following is an entry in ClinVar:

NC_000023.10:g.(?_31854815)_(31986651_?)del

Gene: DMD (dystrophin; minus strand). Cytogenetic location: Xp21.1.
Variant type: Deletion.
Identifiers: ClinVar variation 455818 (VCV000455818.7).

ClinVar aggregate classification (germline): Pathogenic (1 of 4 stars; one submission).

Conditions:
Duchenne muscular dystrophy (DMD). Also called: MUSCULAR DYSTROPHY, PSEUDOHYPERTROPHIC PROGRESSIVE, DUCHENNE TYPE; Duchenne Muscular Dystrophy (DMD). Identifiers: Orphanet 98896, MedGen C0013264, MONDO:0010679, OMIM 310200.

Submission:

Labcorp Genetics (formerly Invitae), Labcorp
Classification: Pathogenic for Duchenne muscular dystrophy. Last evaluated: 2023-10-29. Review status: criteria provided, single submitter. Criteria: Invitae Variant Classification Sherloc (09022015). Collection method: clinical testing. Allele origin: germline.
Comment: This variant is a gross deletion of the genomic region encompassing exon(s) 45-49 of the DMD gene. This variant would be expected to be in-frame, preserving the integrity of the reading frame. A similar copy number variant has been observed in individuals with Becker or Duchenne muscular dystrophy (PMID: 2063877, 9007319, 18752307, 22090376). For these reasons, this variant has been classified as Pathogenic.

Literature cited by the submitters: PubMed 2063877; PubMed 9007319; PubMed 18752307; PubMed 22090376.